The following is an entry in ClinVar:

ClinVar aggregate classification (germline): Uncertain significance (1 of 4 stars; one submission).

gnomAD v4.1: 48 of 1,613,744 alleles (0.003%); highest among the groups gnomAD compares: East Asian, 0.0045%; no homozygotes.

Submission:

Labcorp Genetics (formerly Invitae), Labcorp
Classification: Uncertain significance. Last evaluated: 2024-09-05. Review status: criteria provided, single submitter. Criteria: Invitae Variant Classification Sherloc (09022015). Collection method: clinical testing. Allele origin: germline.
Comment: This sequence change replaces arginine, which is basic and polar, with tryptophan, which is neutral and slightly polar, at codon 2770 of the COL7A1 protein (p.Arg2770Trp). This variant is present in population databases (rs147462803, gnomAD 0.006%). This variant has not been reported in the literature in individuals affected with COL7A1-related conditions. Invitae Evidence Modeling of protein sequence and biophysical properties (such as structural, functional, and spatial information, amino acid conservation, physicochemical variation, residue mobility, and thermodynamic stability) has been performed for this missense variant. However, the output from this modeling did not meet the statistical confidence thresholds required to predict the impact of this variant on COL7A1 protein function. In summary, the available evidence is currently insufficient to determine the role of this variant in disease. Therefore, it has been classified as a Variant of Uncertain Significance.

NM_000094.4(COL7A1):c.8308C>T (p.Arg2770Trp)

Gene: COL7A1 (collagen type VII alpha 1 chain; minus strand). Cytogenetic location: 3p21.31.
Variant type: single nucleotide variant.
Coding change: c.8308C>T on transcript NM_000094.4 (MANE Select); coding-DNA position 8308, C replaced by T.
Protein change: p.Arg2770Trp; replaces arginine 2770 with tryptophan.
Molecular consequence: missense variant.
Genome position (GRCh38, 1-based): chr3:48,566,560, G>A on the plus strand (C>T on the coding strand, the complement: COL7A1 is on the minus strand). VCF-style: chr3-48566560-G-A. GRCh37 (hg19) VCF-style: chr3-48603993-G-A.
Other names: short protein forms R2770W.
Identifiers: ClinVar variation 3703706 (VCV003703706.2).